The following is an entry in ClinVar:

ClinVar aggregate classification (germline): Likely benign (0 of 4 stars; one submission).

Conditions:
MYH10-related disorder. Also called: MYH10-related condition.

Allele frequency attached by ClinVar (database versions not stated): gnomAD exomes 0.00011; ExAC 0.00035; 1000 Genomes Project 0.00060; 1000 Genomes Project 30x 0.00062; ESP Exome Variant Server 0.00085; gnomAD 0.00107; TOPMed 0.00134.
gnomAD v4.1: 338 of 1,613,456 alleles (0.021%); highest among the groups gnomAD compares: African/African-American, 0.4%; 1 homozygote.

Submission:

PreventionGenetics, part of Exact Sciences
Classification: Likely benign for MYH10-related condition. Last evaluated: 2019-07-29. Review status: no assertion criteria provided. Collection method: clinical testing. Allele origin: germline.
Comment: This variant is classified as likely benign based on ACMG/AMP sequence variant interpretation guidelines (Richards et al. 2015 PMID: 25741868, with internal and published modifications).

NM_001256012.3(MYH10):c.5388+8A>G

Gene: MYH10 (myosin heavy chain 10; minus strand). Cytogenetic location: 17p13.1.
Variant type: single nucleotide variant.
Coding change: c.5388+8A>G on transcript NM_001256012.3 (MANE Select); 8 bases into the intron after coding-DNA position 5388, A replaced by G.
Molecular consequence: intron variant.
Genome position (GRCh38, 1-based): chr17:8,480,394, T>C on the plus strand (A>G on the coding strand, the complement: MYH10 is on the minus strand). VCF-style: chr17-8480394-T-C. GRCh37 (hg19) VCF-style: chr17-8383712-T-C.
Other names: c.5325+8A>G (NM_001375266.1); c.5295+8A>G (NM_005964.5); c.5322+8A>G (NM_001256095.2).
Identifiers: ClinVar variation 3035196 (VCV003035196.2), dbSNP rs375547470, ClinGen allele CA8376838.